The following is an entry in ClinVar:

NM_033380.3(COL4A5):c.2989G>T (p.Gly997Ter)

Gene: COL4A5 (collagen type IV alpha 5 chain; plus strand). Cytogenetic location: Xq22.3.
Variant type: single nucleotide variant.
Coding change: c.2989G>T on transcript NM_033380.3 (MANE Select); coding-DNA position 2989, G replaced by T.
Protein change: p.Gly997Ter; replaces glycine 997 with a stop codon.
Molecular consequence: nonsense.
Genome position (GRCh38, 1-based): chrX:108,624,307, G>T. VCF-style: chrX-108624307-G-T. GRCh37 (hg19) VCF-style: chrX-107867537-G-T.
Other names: c.2989G>T, p.Gly997Ter (NM_000495.5); short protein forms G997*.
Identifiers: ClinVar variation 3641435 (VCV003641435.2).

ClinVar aggregate classification (germline): Pathogenic (1 of 4 stars; one submission).

Submission:

Labcorp Genetics (formerly Invitae), Labcorp
Classification: Pathogenic. Last evaluated: 2024-04-30. Review status: criteria provided, single submitter. Criteria: Invitae Variant Classification Sherloc (09022015). Collection method: clinical testing. Allele origin: germline.
Comment: This sequence change creates a premature translational stop signal (p.Gly997*) in the COL4A5 gene. It is expected to result in an absent or disrupted protein product. Loss-of-function variants in COL4A5 are known to be pathogenic (PMID: 9195222, 10752524, 14514738, 24854265, 26809805). This variant is not present in population databases (gnomAD no frequency). This variant has not been reported in the literature in individuals affected with COL4A5-related conditions. For these reasons, this variant has been classified as Pathogenic.

Literature cited by the submitters: PubMed 9195222; PubMed 10752524; PubMed 14514738; PubMed 24854265; PubMed 26809805.